The following is an entry in ClinVar:

NM_152424.4(AMER1):c.3129C>T (p.Ser1043=)

Gene: AMER1 (APC membrane recruitment protein 1; minus strand). Cytogenetic location: Xq11.2.
Variant type: single nucleotide variant.
Coding change: c.3129C>T on transcript NM_152424.4 (MANE Select); coding-DNA position 3129, C replaced by T.
Protein change: p.Ser1043=; no amino-acid change (serine 1043 retained).
Molecular consequence: synonymous variant.
Genome position (GRCh38, 1-based): chrX:64,190,158, G>A on the plus strand (C>T on the coding strand, the complement: AMER1 is on the minus strand). VCF-style: chrX-64190158-G-A. GRCh37 (hg19) VCF-style: chrX-63410038-G-A.
Identifiers: ClinVar variation 3022910 (VCV003022910.4), dbSNP rs749108138, ClinGen allele CA10432101.

ClinVar aggregate classification (germline): Likely benign. Review status: criteria provided, multiple submitters, no conflicts (2 of 4 stars). 2 submissions from 2 submitters: Likely benign (2). Last evaluated 2026-04-27.

Allele frequency attached by ClinVar (database versions not stated): gnomAD 0.00001; gnomAD exomes 0.00002; TOPMed 0.00002; ExAC 0.00003.
gnomAD v4.1: 19 of 1,207,249 alleles (0.0016%); highest among the groups gnomAD compares: Non-Finnish European, 0.0021%; no homozygotes.

Submissions (2):

Women's Health and Genetics/Laboratory Corporation of America, LabCorp
Classification: Likely benign. Last evaluated: 2026-04-27. Review status: criteria provided, single submitter. Criteria: LabCorp Variant Classification Summary - May 2015. Collection method: clinical testing. Allele origin: germline.
Comment: Variant summary: AMER1 c.3129C>T results in a synonymous change. Consensus agreement among computation tools predict no significant impact on normal splicing. However, these predictions have yet to be confirmed by functional studies. The variant allele was found at a frequency of 1.2e-05 in 172630 control chromosomes. The available data on variant occurrences in the general population are insufficient to allow any conclusion about variant significance. To our knowledge, no occurrence of c.3129C>T in individuals affected with AMER1-related conditions and no experimental evidence demonstrating its impact on protein function have been reported. ClinVar contains an entry for this variant (Variation ID: 3022910). Based on the evidence outlined above, the variant was classified as likely benign.

Labcorp Genetics (formerly Invitae), Labcorp
Classification: Likely benign. Last evaluated: 2023-12-15. Review status: criteria provided, single submitter. Criteria: Invitae Variant Classification Sherloc (09022015). Collection method: clinical testing. Allele origin: germline.